The following is an entry in ClinVar:

NM_000246.4(CIITA):c.1962del (p.Ala656fs)

Gene: CIITA (class II major histocompatibility complex transactivator; plus strand). Cytogenetic location: 16p13.13.
Variant type: Deletion.
Coding change: c.1962del on transcript NM_000246.4 (MANE Select); coding-DNA position 1962, one base deleted (C; older notation c.1962delC).
Protein change: p.Ala656fs; shifts the reading frame from alanine 656.
Molecular consequence: frameshift variant. On other transcripts: intron variant (1).
Genome position (GRCh38, 1-based): chr16:10,907,454, C deleted; the last of 7 consecutive C bases (chr16:10,907,448-10,907,454); deleting any one gives the same sequence. VCF-style (leftmost placement, unchanged base first): chr16-10907447-GC-G. GRCh37 (hg19) VCF-style: chr16-11001304-GC-G.
Other names: c.1962del, p.Ala656fs (NM_001379333.1); c.1893del, p.Ala633fs (NM_001379334.1); c.860-1529del (NM_001286403.2); c.1965del, p.Ala657fs (NM_001286402.1, NM_001379332.1); c.1818del, p.Ala608fs (NM_001379330.1); c.1815del, p.Ala607fs (NM_001379331.1); c.1962del (NM_000246.3); short protein forms A656fs, A607fs, A608fs, A633fs, A657fs.
Identifiers: ClinVar variation 1452318 (VCV001452318.7), dbSNP rs778982759, ClinGen allele CA493695472.

ClinVar aggregate classification (germline): Pathogenic/Likely pathogenic. Review status: criteria provided, multiple submitters, no conflicts (2 of 4 stars). 2 submissions from 2 submitters: Pathogenic (1); Likely pathogenic (1). Last evaluated 2026-01-12.

Conditions:
MHC class II deficiency. Also called: BLS, TYPE II; Bare lymphocyte syndrome 2. Identifiers: Orphanet 572, MedGen C5447452, MONDO:0008855.

Submissions (2):

Natera, Inc.
Classification: Likely pathogenic for Bare lymphocyte syndrome type II. Last evaluated: 2026-01-12. Review status: criteria provided, single submitter. Criteria: Natera Variant Classification Schema (03/2026). Collection method: clinical testing. Allele origin: germline.
Comment: The c.1962del variant in CIITA is a frameshift variant predicted to shift the reading frame beginning at codon 656 and leads to a stop codon 30 codons downstream. This variant is expected to result in nonsense mediated decay, truncation, or a dysfunctional protein product. This variant is rare in the general population with a frequency below the threshold expected for the associated phenotype(s). Given the available evidence, this variant is classified as Likely Pathogenic.

Labcorp Genetics (formerly Invitae), Labcorp
Classification: Pathogenic for MHC class II deficiency. Last evaluated: 2023-11-04. Review status: criteria provided, single submitter. Criteria: Invitae Variant Classification Sherloc (09022015). Collection method: clinical testing. Allele origin: germline.
Comment: This sequence change creates a premature translational stop signal (p.Ala656Profs*30) in the CIITA gene. It is expected to result in an absent or disrupted protein product. Loss-of-function variants in CIITA are known to be pathogenic (PMID: 8402893, 9099848, 26271388). The frequency data for this variant in the population databases is considered unreliable, as metrics indicate poor data quality at this position in the gnomAD database. This variant has not been reported in the literature in individuals affected with CIITA-related conditions. ClinVar contains an entry for this variant (Variation ID: 1452318). For these reasons, this variant has been classified as Pathogenic.

Literature cited by the submitters: PubMed 8402893 (cited by Labcorp Genetics (formerly Invitae), Labcorp); PubMed 9099848 (cited by Labcorp Genetics (formerly Invitae), Labcorp); PubMed 26271388 (cited by Labcorp Genetics (formerly Invitae), Labcorp).